The following is an entry in ClinVar:

ClinVar aggregate classification (germline): Likely benign. Review status: criteria provided, multiple submitters, no conflicts (2 of 4 stars). 5 submissions from 5 submitters: Likely benign (4). 1 of the submissions does not count toward it. Last evaluated 2024-10-23.

Conditions:
BRCA1-related cancer predisposition. Identifiers: MedGen CN377757, MONDO:0700268.
Hereditary cancer-predisposing syndrome. Also called: Tumor predisposition; Hereditary neoplastic syndrome; Hereditary Cancer Syndrome; Neoplastic Syndromes, Hereditary. Identifiers: Orphanet 140162, MedGen C0027672, MeSH D009386, MONDO:0015356.
Hereditary breast ovarian cancer syndrome. Also called: Hereditary breast and/or ovarian cancer syndrome; Breast and ovarian cancer; Hereditary breast and ovarian cancer syndrome; Hereditary breast and ovarian cancer; Hereditary breast and ovarian cancer syndrome (HBOC); BRCA1- and BRCA2-Associated Hereditary Breast and Ovarian Cancer. Identifiers: Orphanet 145, MedGen C0677776, MeSH D061325, MONDO:0003582. Disease mechanism: loss of function.
Breast-ovarian cancer, familial, susceptibility to, 1 (BROVCA1). Also called: BRCA1 Hereditary Breast and Ovarian Cancer; OVARIAN CANCER, SUSCEPTIBILITY TO. Identifiers: Orphanet 145, MedGen C2676676, MONDO:0011450, OMIM 604370. Disease mechanism: loss of function.

Allele frequency attached by ClinVar (database versions not stated): TOPMed 0.00001; ExAC 0.00003; gnomAD 0.00004; gnomAD exomes 0.00004 and 0.00008.
gnomAD v4.1: 58 of 1,613,666 alleles (0.0036%); highest among the groups gnomAD compares: South Asian, 0.0011%; no homozygotes.

Submissions (5):

Blueprint Genetics
Classification: Likely benign. Last evaluated: 2024-10-23. Review status: criteria provided, single submitter. Criteria: ACMG Guidelines, 2015. Collection method: clinical testing. Allele origin: germline.

All of Us Research Program, National Institutes of Health
Classification: Likely benign for BRCA1-related cancer predisposition. Last evaluated: 2024-06-11. Review status: criteria provided, single submitter. Criteria: ACMG Guidelines, 2015. Collection method: clinical testing. Allele origin: germline. Inheritance: Autosomal dominant inheritance. Observed: 4 variant alleles, 4 heterozygotes.
Comment: This study involves interpretation of variants in research participants for the purpose of population health screening. Participant phenotype was not available at the time of variant classification. Additional details can be found in publication PMID: 35346344, PMCID: PMC8962531

Labcorp Genetics (formerly Invitae), Labcorp
Classification: Likely benign for Hereditary breast ovarian cancer syndrome. Last evaluated: 2024-04-13. Review status: criteria provided, single submitter. Criteria: Invitae Variant Classification Sherloc (09022015). Collection method: clinical testing. Allele origin: germline.

Color Diagnostics, LLC DBA Color Health
Classification: Likely benign for Hereditary cancer-predisposing syndrome. Last evaluated: 2017-12-19. Review status: criteria provided, single submitter. Criteria: ACMG Guidelines, 2015. Collection method: clinical testing. Allele origin: germline.

Breast Cancer Information Core (BIC) (BRCA1)
Classification: Uncertain significance for Breast-ovarian cancer, familial 1. Last evaluated: 2003-12-23. Review status: no assertion criteria provided. Collection method: clinical testing. Allele origin: germline. Affected: yes. Observed: 1 variant allele. Not counted in ClinVar's aggregate classification.

NM_007294.4(BRCA1):c.4186-11C>T

Gene: BRCA1 (BRCA1 DNA repair associated; minus strand). Cytogenetic location: 17q21.31.
Variant type: single nucleotide variant.
Coding change: c.4186-11C>T on transcript NM_007294.4 (MANE Select); 11 bases into the intron before coding-DNA position 4186, C replaced by T.
Molecular consequence: intron variant.
Genome position (GRCh38, 1-based): chr17:43,082,586, G>A on the plus strand (C>T on the coding strand, the complement: BRCA1 is on the minus strand). VCF-style: chr17-43082586-G-A. GRCh37 (hg19) VCF-style: chr17-41234603-G-A.
Other names: IVS12-11C>T; c.760-11C>T (NM_001408418.1, NM_001408423.1, NM_001408420.1 and 2 more transcripts); c.877-14C>T (NM_001407981.1, NM_001407979.1, NM_001407982.1 and 6 more transcripts); c.877-11C>T (NM_007298.4, NM_001407978.1, NM_001407977.1 and 8 more transcripts); c.4186-14C>T (NM_001407639.1, NM_001407642.1, NM_001407625.1 and 4 more transcripts); c.4186-11C>T (NM_001407859.1, NM_001407620.1, NM_001407597.1 and 23 more transcripts); c.3973-11C>T (NM_001407917.1, NM_001407897.1, NM_001407898.1 and 8 more transcripts); c.733-11C>T (NM_001408462.1, NM_001408464.1, NM_001408468.1 and 2 more transcripts); and 65 more.
Identifiers: ClinVar variation 125695 (VCV000125695.17), dbSNP rs80358080, ClinGen allele CA002694.